The following is an entry in ClinVar:

ClinVar aggregate classification (germline): Uncertain significance (1 of 4 stars; one submission).

Submission:

GeneDx
Classification: Uncertain significance. Last evaluated: 2024-12-26. Review status: criteria provided, single submitter. Criteria: GeneDx Variant Classification Process June 2021. Collection method: clinical testing. Allele origin: germline. Affected: yes.
Comment: Not observed at significant frequency in large population cohorts (gnomAD); In silico analysis indicates that this missense variant does not alter protein structure/function; Has not been previously published as pathogenic or benign to our knowledge

NM_000702.4(ATP1A2):c.138G>C (p.Leu46Phe)

Gene: ATP1A2 (ATPase Na+/K+ transporting subunit alpha 2; plus strand). Cytogenetic location: 1q23.2.
Variant type: single nucleotide variant.
Coding change: c.138G>C on transcript NM_000702.4 (MANE Select); coding-DNA position 138, G replaced by C.
Protein change: p.Leu46Phe; replaces leucine 46 with phenylalanine.
Molecular consequence: missense variant.
Genome position (GRCh38, 1-based): chr1:160,121,212, G>C. VCF-style: chr1-160121212-G-C. GRCh37 (hg19) VCF-style: chr1-160091002-G-C.
Other names: short protein forms L46F.
Identifiers: ClinVar variation 3907964 (VCV003907964.1).